The following is an entry in ClinVar:

NM_206933.4(USH2A):c.10489G>A (p.Asp3497Asn)

Gene: USH2A (usherin; minus strand). Cytogenetic location: 1q41.
Variant type: single nucleotide variant.
Coding change: c.10489G>A on transcript NM_206933.4 (MANE Select); coding-DNA position 10489, G replaced by A.
Protein change: p.Asp3497Asn; replaces aspartic acid 3497 with asparagine.
Molecular consequence: missense variant.
Genome position (GRCh38, 1-based): chr1:215,782,834, C>T on the plus strand (G>A on the coding strand, the complement: USH2A is on the minus strand). VCF-style: chr1-215782834-C-T. GRCh37 (hg19) VCF-style: chr1-215956176-C-T.
Other names: short protein forms D3497N.
Identifiers: ClinVar variation 3621566 (VCV003621566.2).

ClinVar aggregate classification (germline): Uncertain significance. Review status: criteria provided, multiple submitters, no conflicts (2 of 4 stars). 2 submissions from 2 submitters: Uncertain significance (2). Last evaluated 2024-06-06.

gnomAD v4.1: 4 of 1,613,972 alleles (0.00025%); highest among the groups gnomAD compares: South Asian, 0.0044%; no homozygotes.

Submissions (2):

Labcorp Genetics (formerly Invitae), Labcorp
Classification: Uncertain significance. Last evaluated: 2024-06-06. Review status: criteria provided, single submitter. Criteria: Invitae Variant Classification Sherloc (09022015). Collection method: clinical testing. Allele origin: germline.
Comment: This sequence change replaces aspartic acid, which is acidic and polar, with asparagine, which is neutral and polar, at codon 3497 of the USH2A protein (p.Asp3497Asn). This variant is present in population databases (no rsID available, gnomAD 0.003%). This variant has not been reported in the literature in individuals affected with USH2A-related conditions. Advanced modeling of protein sequence and biophysical properties (such as structural, functional, and spatial information, amino acid conservation, physicochemical variation, residue mobility, and thermodynamic stability) has been performed at Invitae for this missense variant, however the output from this modeling did not meet the statistical confidence thresholds required to predict the impact of this variant on USH2A protein function. In summary, the available evidence is currently insufficient to determine the role of this variant in disease. Therefore, it has been classified as a Variant of Uncertain Significance.

Blueprint Genetics
Classification: Uncertain significance. Last evaluated: 2023-05-08. Review status: criteria provided, single submitter. Criteria: ACMG Guidelines, 2015. Collection method: clinical testing. Allele origin: germline.